The following is an entry in ClinVar:

NM_053025.4(MYLK):c.5017G>A (p.Val1673Ile)

Genes: MYLK (myosin light chain kinase; minus strand), MYLK-AS1 (MYLK antisense RNA 1; plus strand), LOC126806791 (MED14-independent group 3 enhancer GRCh37_chr3:123347871-123349070; plus strand). Cytogenetic location: 3q21.1.
Variant type: single nucleotide variant.
Coding change: c.5017G>A on transcript NM_053025.4 (MANE Select); coding-DNA position 5017, G replaced by A.
Protein change: p.Val1673Ile; replaces valine 1673 with isoleucine.
Molecular consequence: missense variant. On other transcripts: non-coding transcript variant (2), intron variant (2).
Genome position (GRCh38, 1-based): chr3:123,629,571, C>T on the plus strand (G>A on the coding strand, the complement: MYLK is on the minus strand). VCF-style: chr3-123629571-C-T. GRCh37 (hg19) VCF-style: chr3-123348418-C-T.
Other names: c.4489G>A, p.Val1497Ile (NM_001321309.2); c.4810G>A, p.Val1604Ile (NM_053026.4); c.4755-2630G>A (NM_053028.4); c.4962-2630G>A (NM_053027.4); short protein forms V1497I, V1604I, V1673I.
Identifiers: ClinVar variation 1744792 (VCV001744792.8), dbSNP rs764447883, ClinGen allele CA072402.

ClinVar aggregate classification (germline): Uncertain significance. Review status: criteria provided, multiple submitters, no conflicts (2 of 4 stars). 4 submissions from 4 submitters: Uncertain significance (4). Last evaluated 2025-10-13.

Conditions:
MYLK-related disorder. Also called: MYLK-related condition.
Familial thoracic aortic aneurysm and aortic dissection (TAAD). Also called: Thoracic aortic aneurysms and dissections. Identifiers: Orphanet 91387, MedGen C4707243, MONDO:0019625.
Aortic aneurysm, familial thoracic 7 (AAT7). Also called: AORTIC DISSECTION, FAMILIAL, WITH OR WITHOUT AORTIC ANEURYSM. Identifiers: MedGen C3151077, MONDO:0013418, OMIM 613780.

Allele frequency attached by ClinVar (database versions not stated): ExAC 0.00001; gnomAD 0.00001; gnomAD exomes 0.00001; TOPMed 0.00001.
gnomAD v4.1: 17 of 1,614,034 alleles (0.0011%); highest among the groups gnomAD compares: African/African-American, 0.0093%; no homozygotes.

Submissions (4):

PreventionGenetics, part of Exact Sciences
Classification: Uncertain significance for MYLK-related condition. Last evaluated: 2025-10-13. Review status: criteria provided, single submitter. Criteria: ACMG Guidelines, 2015. Collection method: clinical testing. Allele origin: germline.
Comment: The MYLK c.5017G>A variant is predicted to result in the amino acid substitution p.Val1673Ile. This variant has been reported as a variant of uncertain significance in an individual with thoracic aortic aneurysm and dissection in which a NOTCH1 variant was also reported (Reported as c.4810G>A (p.Val1604Ile) in Supp. Table 1, Li et al. 2021. PubMed ID: 34498425). This variant is reported in 0.012% of alleles in individuals of African descent in gnomAD. At this time, the clinical significance of this variant is uncertain due to the absence of conclusive functional and genetic evidence.

Labcorp Genetics (formerly Invitae), Labcorp
Classification: Uncertain significance for Aortic aneurysm, familial thoracic 7. Last evaluated: 2025-01-26. Review status: criteria provided, single submitter. Criteria: Invitae Variant Classification Sherloc (09022015). Collection method: clinical testing. Allele origin: germline.
Comment: This sequence change replaces valine, which is neutral and non-polar, with isoleucine, which is neutral and non-polar, at codon 1673 of the MYLK protein (p.Val1673Ile). This variant is present in population databases (rs764447883, gnomAD 0.01%). This missense change has been observed in individuals with autosomal dominant thoracic aortic aneurysm and dissection (PMID: 34498425; internal data). ClinVar contains an entry for this variant (Variation ID: 1744792). Invitae Evidence Modeling of protein sequence and biophysical properties (such as structural, functional, and spatial information, amino acid conservation, physicochemical variation, residue mobility, and thermodynamic stability) indicates that this missense variant is not expected to disrupt MYLK protein function with a negative predictive value of 95%. In summary, the available evidence is currently insufficient to determine the role of this variant in disease. Therefore, it has been classified as a Variant of Uncertain Significance.

Blueprint Genetics
Classification: Uncertain significance. Last evaluated: 2024-03-12. Review status: criteria provided, single submitter. Criteria: ACMG Guidelines, 2015. Collection method: clinical testing. Allele origin: germline.

Ambry Genetics
Classification: Uncertain significance for Familial thoracic aortic aneurysm and aortic dissection. Last evaluated: 2022-04-22. Review status: criteria provided, single submitter. Criteria: Ambry Variant Classification Scheme 2023. Collection method: clinical testing. Allele origin: germline.
Comment: The p.V1673I variant (also known as c.5017G>A), located in coding exon 27 of the MYLK gene, results from a G to A substitution at nucleotide position 5017. The valine at codon 1673 is replaced by isoleucine, an amino acid with highly similar properties. This amino acid position is highly conserved in available vertebrate species. In addition, this alteration is predicted to be tolerated by in silico analysis. Since supporting evidence is limited at this time, the clinical significance of this alteration remains unclear.

Literature cited by the submitters: PubMed 34498425 (cited by Labcorp Genetics (formerly Invitae), Labcorp).